The following is an entry in ClinVar:

NC_012920.1(MT-ND3):m.10326T>C

Gene: MT-ND3 (mitochondrially encoded NADH dehydrogenase 3; plus strand).
Variant type: single nucleotide variant.
Genome position: chrM-10326-T-C.
Identifiers: ClinVar variation 693280 (VCV000693280.1), dbSNP rs1603222777, ClinGen allele CA414805039.
Genomic context (GRCh38, chrMT:10,326, plus strand): 5'-GCCCTCCTTTTACCCCTACCATGAGCCCTACAAACAACTAACCTGCCACTAATAGTTATG[T>C]CATCCCTCTTATTAATCATCATCCTAGCCCTAAGTCTGGCCTATGAGTGACTACAAAAAG-3'

ClinVar aggregate classification (germline): Uncertain significance (1 of 4 stars; one submission).

Conditions:
Leigh syndrome (NULS). Also called: Leigh's necrotizing encephalopathy; Leigh's disease; Leigh Syndrome (mtDNA deletion); Leigh Disease; Subacute necrotizing encephalopathy; Necrotizing encephalopathy infantile subacute of Leigh. Identifiers: Orphanet 506, MedGen C2931891, MONDO:0009723, OMIM 256000.

Submission:

Wong Mito Lab, Molecular and Human Genetics, Baylor College of Medicine
Classification: Uncertain significance for Leigh syndrome. Last evaluated: 2019-10-17. Review status: criteria provided, single submitter. Criteria: Modified ACMG Guidelines (Unpublished). Collection method: clinical testing. Allele origin: germline.
Comment: The NC_012920.1:m.10326T>C (YP_003024033.1:p.Ser90Pro) variant in MTND3 gene is interpretated to be a Uncertain Significance variant based on the modified ACMG guidelines (unpublished). This variant meets the following evidence codes: no criteria